The following is an entry in ClinVar:

ClinVar aggregate classification (germline): Pathogenic. Review status: criteria provided, multiple submitters, no conflicts (2 of 4 stars). 5 submissions from 5 submitters: Pathogenic (5). Last evaluated 2026-03-10.

Conditions:
Polycystic kidney disease, adult type (PKD1). Also called: Polycystic Kidney Disease 1, Autosomal Dominant; Polycystic kidney disease 1; Polycystic kidney disease 1, severe; Polycystic Kidney, Autosomal Dominant; POLYCYSTIC KIDNEY DISEASE 1 WITH OR WITHOUT POLYCYSTIC LIVER DISEASE; POLYCYSTIC KIDNEY DISEASE, ADULT, TYPE I. Identifiers: MedGen C3149841, MONDO:0008263, OMIM 173900.
Inborn genetic diseases. Identifiers: MedGen C0950123, MeSH D030342.
PKD1-related disorder. Also called: PKD1-related condition.

Submissions (5):

GeneDx
Classification: Pathogenic. Last evaluated: 2026-03-10. Review status: criteria provided, single submitter. Criteria: GeneDx Variant Classification Process June 2021. Collection method: clinical testing. Allele origin: germline.
Comment: Observed with multiple variants in patients with clinical features consistent with a PKD1-related disorder in published literature; authors have suggested the possibility of a gene conversion event in at least one patient (PMID: 17574468, 12007219, 23985799, 37543885); Nonsense variant predicted to result in protein truncation or nonsense mediated decay in a gene for which loss of function is a known mechanism of disease; Not observed at significant frequency in large population cohorts (gnomAD); This variant is associated with the following publications: (PMID: 25525159, 31079206, 17574468, 37543885, 31740684, 22383692, 12007219, 23985799)

Blueprint Genetics
Classification: Pathogenic for PKD1-related disorders. Last evaluated: 2024-06-05. Review status: criteria provided, single submitter. Criteria: ACMG Guidelines, 2015. Collection method: clinical testing. Allele origin: germline. Affected: yes. Observed: 5 variant alleles.

Fulgent Genetics
Classification: Pathogenic for Polycystic kidney disease, adult type. Last evaluated: 2024-03-19. Review status: criteria provided, single submitter. Criteria: ACMG Guidelines, 2015. Collection method: clinical testing. Allele origin: germline.

Ambry Genetics
Classification: Pathogenic for Inborn genetic diseases. Last evaluated: 2023-08-31. Review status: criteria provided, single submitter. Criteria: Ambry Variant Classification Scheme 2023. Collection method: clinical testing. Allele origin: germline.
Comment: The c.8428G>T (p.E2810*) alteration, located in exon 23 (coding exon 23) of the PKD1 gene, consists of a G to T substitution at nucleotide position 8428. This changes the amino acid from a glutamic acid (E) to a stop codon at amino acid position 2810. This alteration is expected to result in loss of function by premature protein truncation or nonsense-mediated mRNA decay. This variant was not reported in population-based cohorts in the Genome Aggregation Database (gnomAD). This mutation was reported in the heterozygous state in several individuals with a clinical diagnosis of polycystic kidney disease (Garcia-Gonzalez, 2007; Rossetti, 2012; Kim, 2019). It was also reported in the homozygous state in three pregnancies in one family; two pregnancies resulted in fetal demise and the third pregnancy presented with oligohydramnios, echogenic kidneys and shortened long bones. Both parents were heterozygous for the variant and apparently asymptomatic; however, renal imaging was not performed (Al-Hamed, 2019). This variant has also been reported in two individuals with polycystic kidney disease and multiple PKD1 missense variants; phase was confirmed in cis for one individual and not provided for the second individual (Inoue, 2002; Chang, 2013). Based on the available evidence, this alteration is classified as pathogenic.

Juno Genomics, Hangzhou Juno Genomics, Inc
Classification: Pathogenic for Polycystic kidney disease, adult type. Review status: criteria provided, single submitter. Criteria: ACMG Guidelines, 2015. Collection method: clinical testing. Allele origin: germline. Affected: yes.
Comment: Absent from controls (or at extremely low frequency if recessive) in Genome Aggregation Database, Exome Sequencing Project, 1000 Genomes Project, or Exome Aggregation Consortium.;Null variant in a gene where loss of function (LOF) is a known mechanism of disease.;The prevalence of the variant in affected individuals is significantly increased compared to the prevalence in controls.;Patient's phenotype or family history is highly specific for a disease with a single genetic etiology.

Literature cited by the submitters: PubMed 12007219 (cited by Ambry Genetics); PubMed 17574468 (cited by Ambry Genetics); PubMed 22383692 (cited by Ambry Genetics); PubMed 23985799 (cited by Ambry Genetics); PubMed 31079206 (cited by Ambry Genetics); PubMed 31740684 (cited by Ambry Genetics).

NM_001009944.3(PKD1):c.8428G>T (p.Glu2810Ter)

Gene: PKD1 (polycystin 1, transient receptor potential channel interacting; minus strand). Cytogenetic location: 16p13.3.
Variant type: single nucleotide variant.
Coding change: c.8428G>T on transcript NM_001009944.3 (MANE Select); coding-DNA position 8428, G replaced by T.
Protein change: p.Glu2810Ter; replaces glutamic acid 2810 with a stop codon.
Molecular consequence: nonsense.
Genome position (GRCh38, 1-based): chr16:2,103,629, C>A on the plus strand (G>T on the coding strand, the complement: PKD1 is on the minus strand). VCF-style: chr16-2103629-C-A. GRCh37 (hg19) VCF-style: chr16-2153630-C-A.
Other names: c.8428G>T, p.Glu2810Ter (NM_000296.4); short protein forms E2810*.
Identifiers: ClinVar variation 2619414 (VCV002619414.7), dbSNP rs777608163, ClinGen allele CA394364035.
Genomic context (GRCh38, chr16:2,103,629, plus strand): 5'-CCACCAGAAAGATGAGCTGCACCACGTCACTGAGGTTGGCCAGGGCCCCGCTGAAAGCCT[C>A]GGGGATGGAGAAGTGGCAGCCAGGCCCTGGGGCGCCGCCATAGCACAGCAGGCTCCGCGG-3'